The following is an entry in ClinVar:

ClinVar aggregate classification (germline): Likely benign. Review status: criteria provided, multiple submitters, no conflicts (2 of 4 stars). 2 submissions from 2 submitters: Likely benign (2). Last evaluated 2025-12-01.

Allele frequency attached by ClinVar (database versions not stated): gnomAD 0.00001; TOPMed 0.00001.
gnomAD v4.1: 28 of 1,439,574 alleles (0.0019%); highest among the groups gnomAD compares: Admixed American, 0.0092%; no homozygotes.

Submissions (2):

CeGaT Center for Human Genetics Tuebingen
Classification: Likely benign. Last evaluated: 2025-12-01. Review status: criteria provided, single submitter. Criteria: CeGaT Center For Human Genetics Tuebingen Variant Classification Criteria Version 2. Collection method: clinical testing. Allele origin: germline. Affected: yes. Observed: 1 variant allele.
Comment: FGFRL1: BP4, BP7

Labcorp Genetics (formerly Invitae), Labcorp
Classification: Likely benign. Last evaluated: 2022-07-19. Review status: criteria provided, single submitter. Criteria: Invitae Variant Classification Sherloc (09022015). Collection method: clinical testing. Allele origin: germline.

NM_001004356.3(FGFRL1):c.1434C>A (p.Ile478=)

Gene: FGFRL1 (fibroblast growth factor receptor like 1; plus strand). Cytogenetic location: 4p16.3.
Variant type: single nucleotide variant.
Coding change: c.1434C>A on transcript NM_001004356.3 (MANE Select); coding-DNA position 1434, C replaced by A.
Protein change: p.Ile478=; no amino-acid change (isoleucine 478 retained).
Molecular consequence: synonymous variant.
Genome position (GRCh38, 1-based): chr4:1,025,266, C>A. VCF-style: chr4-1025266-C-A. GRCh37 (hg19) VCF-style: chr4-1019054-C-A.
Other names: c.1434C>A, p.Ile478= (NM_001004358.1, NM_001370296.1, NM_021923.3).
Identifiers: ClinVar variation 1609853 (VCV001609853.13), dbSNP rs936127223, ClinGen allele CA91133273.